The following is an entry in ClinVar:

ClinVar aggregate classification (germline): Uncertain significance (1 of 4 stars; one submission).

gnomAD v4.1: 1 of 1,613,670 alleles (0.000062%); highest among the groups gnomAD compares: African/African-American, 0.0013%; no homozygotes.

Submission:

Mayo Clinic Laboratories, Mayo Clinic
Classification: Uncertain significance. Last evaluated: 2024-09-09. Review status: criteria provided, single submitter. Criteria: ACMG Guidelines, 2015. Collection method: clinical testing. Allele origin: germline. Observed: 1 variant allele.
Comment: PM2

NM_001130987.2(DYSF):c.3973C>G (p.Leu1325Val)

Gene: DYSF (dysferlin; plus strand). Cytogenetic location: 2p13.2.
Variant type: single nucleotide variant.
Coding change: c.3973C>G on transcript NM_001130987.2 (MANE Select); coding-DNA position 3973, C replaced by G.
Protein change: p.Leu1325Val; replaces leucine 1325 with valine.
Molecular consequence: missense variant.
Genome position (GRCh38, 1-based): chr2:71,611,260, C>G. VCF-style: chr2-71611260-C-G. GRCh37 (hg19) VCF-style: chr2-71838390-C-G.
Other names: p.Leu1307Val; c.3922C>G, p.Leu1308Val (NM_001130455.2, NM_001130983.2); c.3877C>G, p.Leu1293Val (NM_001130976.2, NM_001130977.2); c.3919C>G, p.Leu1307Val (NM_001130978.2, NM_003494.4); c.4012C>G, p.Leu1338Val (NM_001130979.2); c.3970C>G, p.Leu1324Val (NM_001130980.2, NM_001130981.2); c.4015C>G, p.Leu1339Val (NM_001130982.2); c.3880C>G, p.Leu1294Val (NM_001130984.2, NM_001130986.2); and 1 more; short protein forms L1293V, L1294V, L1307V, L1308V, L1324V, L1325V, L1338V, L1339V.
Identifiers: ClinVar variation 3380822 (VCV003380822.1).